The following is an entry in ClinVar:

NM_001999.4(FBN2):c.-262C>T

Gene: FBN2 (fibrillin 2; minus strand). Cytogenetic location: 5q23.3.
Variant type: single nucleotide variant.
Coding change: c.-262C>T on transcript NM_001999.4 (MANE Select); 262 bases upstream of the start codon, C replaced by T.
Molecular consequence: 5 prime UTR variant.
Genome position (GRCh38, 1-based): chr5:128,537,865, G>A on the plus strand (C>T on the coding strand, the complement: FBN2 is on the minus strand). VCF-style: chr5-128537865-G-A. GRCh37 (hg19) VCF-style: chr5-127873558-G-A.
Identifiers: ClinVar variation 350796 (VCV000350796.7), dbSNP rs540026322, ClinGen allele CA10622495.
Genomic context (GRCh38, chr5:128,537,865, plus strand): 5'-GCCGGGTCTAGCGCAGTGAGCGGCGAGGCGCGGCGGAGGTGCAGCCGGCAGCCCCGAGCG[G>A]TACACGTTGCATAACCGGCCTAAAGCCCCGAGCGACTCCAGGACCGTCAGCGGGCGGGGG-3'

ClinVar aggregate classification (germline): Benign/Likely benign. Review status: criteria provided, multiple submitters, no conflicts (2 of 4 stars). 3 submissions from 3 submitters: Benign (1); Likely benign (2). Last evaluated 2018-06-19.

Conditions:
Congenital contractural arachnodactyly (CCA). Also called: BEALS SYNDROME; Beals-Hecht syndrome; Arthrogryposis, distal, type 9. Identifiers: Orphanet 115, MedGen C0220668, MONDO:0007363, OMIM 121050.

Allele frequency attached by ClinVar (database versions not stated): 1000 Genomes Project 30x 0.00578; 1000 Genomes Project 0.00579; TOPMed 0.00849; gnomAD 0.00915 and 0.00943.

Submissions (3):

GeneDx
Classification: Likely benign. Last evaluated: 2018-06-19. Review status: criteria provided, single submitter. Criteria: GeneDx Variant Classification (06012015). Collection method: clinical testing. Allele origin: germline. Affected: yes.
Comment: This variant is considered likely benign or benign based on one or more of the following criteria: it is a conservative change, it occurs at a poorly conserved position in the protein, it is predicted to be benign by multiple in silico algorithms, and/or has population frequency not consistent with disease.

Illumina Laboratory Services, Illumina
Classification: Benign for Congenital contractural arachnodactyly. Last evaluated: 2018-01-12. Review status: criteria provided, single submitter. Criteria: ICSL Variant Classification Criteria 13 December 2019. Collection method: clinical testing. Allele origin: germline.
Comment: This variant was observed in the ICSL laboratory as part of a predisposition screen in an ostensibly healthy population. It had not been previously curated by ICSL or reported in the Human Gene Mutation Database (HGMD: prior to June 1st, 2018), and was therefore a candidate for classification through an automated scoring system. Utilizing variant allele frequency, disease prevalence and penetrance estimates, and inheritance mode, an automated score was calculated to assess if this variant is too frequent to cause the disease. Based on the score and internal cut-off values, a variant classified as benign is not then subjected to further curation. The score for this variant resulted in a classification of benign for this disease.

Breakthrough Genomics
Classification: Likely benign. Review status: criteria provided, single submitter. Criteria: ACMG Guidelines, 2015. Collection method: not provided. Allele origin: germline. Inheritance: Autosomal dominant inheritance. Affected: yes.